The following is an entry in ClinVar:

ClinVar aggregate classification (germline): Uncertain significance. Review status: criteria provided, single submitter (1 of 4 stars). 2 submissions from 2 submitters: Uncertain significance (1). 1 of the submissions does not count toward it. Last evaluated 2022-07-05.

Conditions:
Ehlers-Danlos syndrome, dermatosparaxis type. Also called: EDS VIIC; Ehlers-Danlos syndrome, type VII, autosomal recessive; Dermatosparaxis. Identifiers: Orphanet 1901, MedGen C2700425, MONDO:0009161, OMIM 225410.

Allele frequency attached by ClinVar (database versions not stated): gnomAD exomes 0.00002 and 0.00004; ExAC 0.00003; gnomAD 0.00006; TOPMed 0.00006; ESP Exome Variant Server 0.00008.
gnomAD v4.1: 34 of 1,613,742 alleles (0.0021%); highest among the groups gnomAD compares: African/African-American, 0.016%; no homozygotes.

Submissions (2):

Labcorp Genetics (formerly Invitae), Labcorp
Classification: Uncertain significance for Ehlers-Danlos syndrome, dermatosparaxis type. Last evaluated: 2022-07-05. Review status: criteria provided, single submitter. Criteria: Invitae Variant Classification Sherloc (09022015). Collection method: clinical testing. Allele origin: germline.
Comment: This sequence change replaces threonine, which is neutral and polar, with methionine, which is neutral and non-polar, at codon 831 of the ADAMTS2 protein (p.Thr831Met). This variant is present in population databases (rs7705437, gnomAD 0.02%). This variant has not been reported in the literature in individuals affected with ADAMTS2-related conditions. ClinVar contains an entry for this variant (Variation ID: 964705). Algorithms developed to predict the effect of missense changes on protein structure and function are either unavailable or do not agree on the potential impact of this missense change (SIFT: "Deleterious"; PolyPhen-2: "Benign"; Align-GVGD: "Class C65"). In summary, the available evidence is currently insufficient to determine the role of this variant in disease. Therefore, it has been classified as a Variant of Uncertain Significance.

Natera, Inc.
Classification: Uncertain significance for Ehlers-Danlos syndrome type VIIC. Last evaluated: 2021-06-18. Review status: no assertion criteria provided. Collection method: clinical testing. Allele origin: germline. Not counted in ClinVar's aggregate classification.

NM_014244.5(ADAMTS2):c.2492C>T (p.Thr831Met)

Gene: ADAMTS2 (ADAM metallopeptidase with thrombospondin type 1 motif 2; minus strand). Cytogenetic location: 5q35.3.
Variant type: single nucleotide variant.
Coding change: c.2492C>T on transcript NM_014244.5 (MANE Select); coding-DNA position 2492, C replaced by T.
Protein change: p.Thr831Met; replaces threonine 831 with methionine.
Molecular consequence: missense variant.
Genome position (GRCh38, 1-based): chr5:179,128,084, G>A on the plus strand (C>T on the coding strand, the complement: ADAMTS2 is on the minus strand). VCF-style: chr5-179128084-G-A. GRCh37 (hg19) VCF-style: chr5-178555085-G-A.
Other names: short protein forms T831M.
Identifiers: ClinVar variation 964705 (VCV000964705.8), dbSNP rs7705437, ClinGen allele CA3595527.